The following is an entry in ClinVar:

NM_001903.5(CTNNA1):c.588+4_588+5del

Gene: CTNNA1 (catenin alpha 1; plus strand). Cytogenetic location: 5q31.2.
Variant type: Deletion.
Coding change: c.588+4_588+5del on transcript NM_001903.5 (MANE Select); bases 4 to 5 of the intron after coding-DNA position 588, 2 bases deleted (CA; older notation c.588+4_588+5delCA).
Molecular consequence: intron variant.
Genome position (GRCh38, 1-based): chr5:138,812,306-138,812,307, CA deleted; deleting any 2 consecutive bases within chr5:138,812,305-138,812,307 gives the same sequence; the c. name uses the placement nearest the transcript's 3' end. VCF-style (leftmost placement, unchanged base first): chr5-138812304-TAC-T. GRCh37 (hg19) VCF-style: chr5-138147993-TAC-T.
Other names: c.588+4_588+5delCA (NM_001903.3, NM_001903.4, NM_001903.5); c.588+4_588+5del (NM_001323982.2, NM_001323984.2, NM_001290307.3 and 3 more transcripts); c.219+4_219+5del (NM_001290310.3); c.279+4_279+5del (NM_001290309.3).
Identifiers: ClinVar variation 415355 (VCV000415355.22), dbSNP rs147724289, ClinGen allele CA3431481.

ClinVar aggregate classification (germline): Benign/Likely benign. Review status: criteria provided, multiple submitters, no conflicts (2 of 4 stars). 7 submissions from 7 submitters: Benign (2); Likely benign (4). 1 of the submissions does not count toward it. Last evaluated 2026-02-03.

Conditions:
Patterned macular dystrophy 2. Identifiers: Orphanet 99001, MedGen C1837029, MONDO:0012162, OMIM 608970.
Hereditary cancer-predisposing syndrome. Also called: Tumor predisposition; Hereditary Cancer Syndrome; Hereditary neoplastic syndrome; Neoplastic Syndromes, Hereditary. Identifiers: Orphanet 140162, MedGen C0027672, MeSH D009386, MONDO:0015356.
CTNNA1-related disorder. Also called: CTNNA1-related condition.
Hereditary diffuse gastric adenocarcinoma (HDGC). Also called: DIFFUSE GASTRIC AND LOBULAR BREAST CANCER SYNDROME. Identifiers: Orphanet 26106, MedGen C1708349, MONDO:0007648, OMIM 137215.

Submissions (7):

Labcorp Genetics (formerly Invitae), Labcorp
Classification: Benign. Last evaluated: 2026-02-03. Review status: criteria provided, single submitter. Criteria: Invitae Variant Classification Sherloc (09022015). Collection method: clinical testing. Allele origin: germline.

Center for Genomic Medicine, Rigshospitalet, Copenhagen University Hospital
Classification: Likely benign. Last evaluated: 2025-03-04. Review status: criteria provided, single submitter. Criteria: ACMG Guidelines, 2015. Collection method: clinical testing. Allele origin: germline.

Myriad Genetics, Inc.
Classification: Benign for Hereditary diffuse gastric adenocarcinoma. Last evaluated: 2024-10-10. Review status: criteria provided, single submitter. Criteria: Myriad Autosomal Dominant, Autosomal Recessive and X-Linked Classification Criteria (2023). Collection method: clinical testing. Allele origin: unknown.
Comment: This variant is considered benign. This variant is intronic and is not expected to impact mRNA splicing. This variant has been observed at a population frequency that is significantly greater than expected given the associated disease prevalence and penetrance. Homozygosity has been confirmed in one or more individuals. As homozygosity for pathogenic variants in this gene is generally assumed to result in embryonic lethality, this variant is unlikely to be pathogenic.

Blueprint Genetics
Classification: Likely benign. Last evaluated: 2024-09-09. Review status: criteria provided, single submitter. Criteria: ACMG Guidelines, 2015. Collection method: clinical testing. Allele origin: germline.

Fulgent Genetics
Classification: Likely benign for Patterned macular dystrophy 2. Last evaluated: 2022-03-27. Review status: criteria provided, single submitter. Criteria: ACMG Guidelines, 2015. Collection method: clinical testing. Allele origin: unknown.

Ambry Genetics
Classification: Likely benign for Hereditary cancer-predisposing syndrome. Last evaluated: 2019-11-27. Review status: criteria provided, single submitter. Criteria: Ambry Variant Classification Scheme 2023. Collection method: clinical testing. Allele origin: germline.

PreventionGenetics, part of Exact Sciences
Classification: Benign for CTNNA1-related condition. Last evaluated: 2019-07-17. Review status: no assertion criteria provided. Collection method: clinical testing. Allele origin: germline. Not counted in ClinVar's aggregate classification.
Comment: This variant is classified as benign based on ACMG/AMP sequence variant interpretation guidelines (Richards et al. 2015 PMID: 25741868, with internal and published modifications).